The following is an entry in ClinVar:

ClinVar aggregate classification (germline): Uncertain significance (1 of 4 stars; one submission).

Conditions:
Mucopolysaccharidosis, MPS-III-B (MPS3B). Also called: N-ACETYL-ALPHA-D-GLUCOSAMINIDASE DEFICIENCY; NAGLU DEFICIENCY; SANFILIPPO SYNDROME B; MPS III B; MPS IIIB (Sanfilippo Syndrome Type B); MUCOPOLYSACCHARIDOSIS, TYPE IIIB. Identifiers: Orphanet 79270, MedGen C0086648, MONDO:0009656, OMIM 252920.
Charcot-Marie-Tooth disease axonal type 2V. Also called: CHARCOT-MARIE-TOOTH NEUROPATHY, TYPE 2V; CHARCOT-MARIE-TOOTH DISEASE, AXONAL, AUTOSOMAL DOMINANT, TYPE 2V. Identifiers: Orphanet 447964, MedGen C5569050, MONDO:0014665, OMIM 616491.

Allele frequency attached by ClinVar (database versions not stated): ExAC 0.00001; gnomAD 0.00001.
gnomAD v4.1: 2 of 1,613,914 alleles (0.00012%); highest among the groups gnomAD compares: Non-Finnish European, 0.00017%; no homozygotes.

Submission:

Labcorp Genetics (formerly Invitae), Labcorp
Classification: Uncertain significance for Charcot-Marie-Tooth disease axonal type 2V; Mucopolysaccharidosis, MPS-III-B. Last evaluated: 2022-08-16. Review status: criteria provided, single submitter. Criteria: Invitae Variant Classification Sherloc (09022015). Collection method: clinical testing. Allele origin: germline.
Comment: This sequence change replaces glutamine, which is neutral and polar, with histidine, which is basic and polar, at codon 703 of the NAGLU protein (p.Gln703His). This variant is present in population databases (rs754927686, gnomAD 0.0009%). This variant has not been reported in the literature in individuals affected with NAGLU-related conditions. ClinVar contains an entry for this variant (Variation ID: 1436024). Advanced modeling of protein sequence and biophysical properties (such as structural, functional, and spatial information, amino acid conservation, physicochemical variation, residue mobility, and thermodynamic stability) performed at Invitae indicates that this missense variant is not expected to disrupt NAGLU protein function. In summary, the available evidence is currently insufficient to determine the role of this variant in disease. Therefore, it has been classified as a Variant of Uncertain Significance.

NM_000263.4(NAGLU):c.2109A>C (p.Gln703His)

Gene: NAGLU (N-acetyl-alpha-glucosaminidase; plus strand). Cytogenetic location: 17q21.2.
Variant type: single nucleotide variant.
Coding change: c.2109A>C on transcript NM_000263.4 (MANE Select); coding-DNA position 2109, A replaced by C.
Protein change: p.Gln703His; replaces glutamine 703 with histidine.
Molecular consequence: missense variant.
Genome position (GRCh38, 1-based): chr17:42,544,115, A>C. VCF-style: chr17-42544115-A-C. GRCh37 (hg19) VCF-style: chr17-40696133-A-C.
Other names: short protein forms Q703H.
Identifiers: ClinVar variation 1436024 (VCV001436024.3), dbSNP rs754927686, ClinGen allele CA8577139.